The following is an entry in ClinVar:

ClinVar aggregate classification (germline): Likely benign. Review status: criteria provided, multiple submitters, no conflicts (2 of 4 stars). 5 submissions from 5 submitters: Likely benign (5). Last evaluated 2025-11-27.

Conditions:
Breast-ovarian cancer, familial, susceptibility to, 4. Identifiers: Orphanet 145, MedGen C3280345, MONDO:0013669, OMIM 614291.
Hereditary cancer-predisposing syndrome. Also called: Tumor predisposition; Neoplastic Syndromes, Hereditary; Hereditary neoplastic syndrome; Hereditary Cancer Syndrome. Identifiers: Orphanet 140162, MedGen C0027672, MeSH D009386, MONDO:0015356.

Allele frequency attached by ClinVar (database versions not stated): gnomAD 0.00001; TOPMed 0.00002.
gnomAD v4.1: 1 of 1,612,164 alleles (0.000062%); highest among the groups gnomAD compares: African/African-American, 0.0013%; no homozygotes.

Submissions (5):

Labcorp Genetics (formerly Invitae), Labcorp
Classification: Likely benign for Breast-ovarian cancer, familial, susceptibility to, 4. Last evaluated: 2025-11-27. Review status: criteria provided, single submitter. Criteria: Invitae Variant Classification Sherloc (09022015). Collection method: clinical testing. Allele origin: germline.

Myriad Genetics, Inc.
Classification: Likely benign for Breast-ovarian cancer, familial, susceptibility to, 4. Last evaluated: 2025-02-24. Review status: criteria provided, single submitter. Criteria: Myriad Autosomal Dominant, Autosomal Recessive and X-Linked Classification Criteria (2023). Collection method: clinical testing. Allele origin: unknown.
Comment: This variant is considered likely benign. This variant is intronic and is not expected to impact mRNA splicing.

Color Diagnostics, LLC DBA Color Health
Classification: Likely benign for Hereditary cancer-predisposing syndrome. Last evaluated: 2020-09-16. Review status: criteria provided, single submitter. Criteria: ACMG Guidelines, 2015. Collection method: clinical testing. Allele origin: germline.

Ambry Genetics
Classification: Likely benign for Hereditary cancer-predisposing syndrome. Last evaluated: 2019-09-27. Review status: criteria provided, single submitter. Criteria: Ambry Variant Classification Scheme 2023. Collection method: clinical testing. Allele origin: germline.

GeneDx
Classification: Likely benign. Last evaluated: 2017-03-15. Review status: criteria provided, single submitter. Criteria: GeneDx Variant Classification (06012015). Collection method: clinical testing. Allele origin: germline. Affected: yes.
Comment: This variant is considered likely benign or benign based on one or more of the following criteria: it is a conservative change, it occurs at a poorly conserved position in the protein, it is predicted to be benign by multiple in silico algorithms, and/or has population frequency not consistent with disease.

NM_002878.4(RAD51D):c.668-4G>A

Genes: RAD51D (RAD51 paralog D; minus strand), RAD51L3-RFFL (RAD51L3-RFFL readthrough; minus strand). Cytogenetic location: 17q12.
Variant type: single nucleotide variant.
Coding change: c.668-4G>A on transcript NM_002878.4 (MANE Select); 4 bases into the intron before coding-DNA position 668, G replaced by A.
Molecular consequence: intron variant.
Genome position (GRCh38, 1-based): chr17:35,103,328, C>T on the plus strand (G>A on the coding strand, the complement: RAD51D is on the minus strand). VCF-style: chr17-35103328-C-T. GRCh37 (hg19) VCF-style: chr17-33430347-C-T.
Other names: c.332-4G>A (NM_133629.3); c.728-4G>A (NM_001142571.2).
Identifiers: ClinVar variation 416200 (VCV000416200.18), dbSNP rs1001440122, ClinGen allele CA16615313.